The following is an entry in ClinVar:

ClinVar aggregate classification (germline): Uncertain significance. Review status: criteria provided, multiple submitters, no conflicts (2 of 4 stars). 2 submissions from 2 submitters: Uncertain significance (2). Last evaluated 2025-07-05.

Conditions:
Neurofibromatosis, type 1 (NF1). Also called: NEUROFIBROMATOSIS, TYPE I, SOMATIC; Neurofibromatosis, type I; VON RECKLINGHAUSEN DISEASE; Peripheral type neurofibromatosis. Identifiers: Orphanet 636, MedGen C0027831, MONDO:0018975, OMIM 162200. Disease mechanism: loss of function.
Cardiovascular phenotype. Identifiers: MedGen CN230736.
Hereditary cancer-predisposing syndrome. Also called: Neoplastic Syndromes, Hereditary; Tumor predisposition; Hereditary Cancer Syndrome; Hereditary neoplastic syndrome. Identifiers: Orphanet 140162, MedGen C0027672, MeSH D009386, MONDO:0015356.

Submissions (2):

Labcorp Genetics (formerly Invitae), Labcorp
Classification: Uncertain significance for Neurofibromatosis, type 1. Last evaluated: 2025-07-05. Review status: criteria provided, single submitter. Criteria: Invitae Variant Classification Sherloc (09022015). Collection method: clinical testing. Allele origin: germline.
Comment: This sequence change replaces leucine, which is neutral and non-polar, with proline, which is neutral and non-polar, at codon 2422 of the NF1 protein (p.Leu2422Pro). This variant is not present in population databases (gnomAD no frequency). This variant has not been reported in the literature in individuals affected with NF1-related conditions. Invitae Evidence Modeling of protein sequence and biophysical properties (such as structural, functional, and spatial information, amino acid conservation, physicochemical variation, residue mobility, and thermodynamic stability) indicates that this missense variant is expected to disrupt NF1 protein function with a positive predictive value of 95%. In summary, the available evidence is currently insufficient to determine the role of this variant in disease. Therefore, it has been classified as a Variant of Uncertain Significance.

Ambry Genetics
Classification: Uncertain significance for Cardiovascular phenotype; Hereditary cancer-predisposing syndrome. Last evaluated: 2025-03-30. Review status: criteria provided, single submitter. Criteria: Ambry Variant Classification Scheme 2023. Collection method: clinical testing. Allele origin: germline.
Comment: The p.L2422P variant (also known as c.7265T>C), located in coding exon 49 of the NF1 gene, results from a T to C substitution at nucleotide position 7265. The leucine at codon 2422 is replaced by proline, an amino acid with similar properties. This amino acid position is conserved. In addition, the in silico prediction for this alteration is inconclusive. Based on the available evidence, the clinical significance of this variant remains unclear.

NM_001042492.3(NF1):c.7328T>C (p.Leu2443Pro)

Gene: NF1 (neurofibromin 1; plus strand). Cytogenetic location: 17q11.2.
Variant type: single nucleotide variant.
Coding change: c.7328T>C on transcript NM_001042492.3 (MANE Select); coding-DNA position 7328, T replaced by C.
Protein change: p.Leu2443Pro; replaces leucine 2443 with proline.
Molecular consequence: missense variant.
Genome position (GRCh38, 1-based): chr17:31,350,189, T>C. VCF-style: chr17-31350189-T-C. GRCh37 (hg19) VCF-style: chr17-29677207-T-C.
Other names: c.7265T>C, p.Leu2422Pro (NM_000267.4); short protein forms L2422P, L2443P.
Identifiers: ClinVar variation 4017405 (VCV004017405.2).